The following is an entry in ClinVar:

NM_133259.4(LRPPRC):c.1131dup (p.Gln378fs)

Gene: LRPPRC (leucine rich pentatricopeptide repeat containing; minus strand). Cytogenetic location: 2p21.
Variant type: Duplication.
Coding change: c.1131dup on transcript NM_133259.4 (MANE Select); coding-DNA position 1131, one base duplicated (A; older notation c.1131dupA).
Protein change: p.Gln378fs; shifts the reading frame from glutamine 378.
Molecular consequence: frameshift variant.
Genome position (GRCh38, 1-based): chr2:43,974,174, T duplicated on the plus strand (A on the coding strand, the reverse complement: LRPPRC is on the minus strand). VCF-style (leftmost placement, unchanged base first): chr2-43974173-G-GT. GRCh37 (hg19) VCF-style: chr2-44201312-G-GT.
Other names: short protein forms Q378fs.
Identifiers: ClinVar variation 4816477 (VCV004816477.1).
Genomic context (GRCh38, chr2:43,974,173, plus strand): 5'-AATTACATTGTCTACAAAGTAAAAGTGGACAGAATACCGTATTCATAGTCACACAGTGTT[G>GT]TAAAAAGAAACTGCCAAAGACACTTGGGCCATCTTCCTTTGATACGGGGCATGCTAGTAA-3'

ClinVar aggregate classification (germline): Likely pathogenic (1 of 4 stars; one submission).

Conditions:
Congenital lactic acidosis, Saguenay-Lac-Saint-Jean type (MC4DN5). Also called: CYTOCHROME c OXIDASE DEFICIENCY, FRENCH CANADIAN TYPE; COX DEFICIENCY, FRENCH CANADIAN TYPE; MITOCHONDRIAL COMPLEX IV DEFICIENCY, NUCLEAR TYPE 5. Identifiers: Orphanet 70472, MedGen C1857355, MONDO:0009069, OMIM 220111.

Submission:

Natera, Inc.
Classification: Likely pathogenic for French-Canadian type Leigh syndrome. Last evaluated: 2024-06-11. Review status: criteria provided, single submitter. Criteria: Natera Variant Classification Schema (03/2026). Collection method: clinical testing. Allele origin: germline.
Comment: The c.1131dup variant in LRPPRC is a frameshift variant predicted to shift the reading frame beginning at codon 378 and leads to a stop codon 18 codons downstream. This variant is expected to result in nonsense mediated decay, truncation, or a dysfunctional protein product. This variant is rare in the general population with a frequency below the threshold expected for the associated phenotype(s). Given the available evidence, this variant is classified as Likely Pathogenic.